The following is an entry in ClinVar:

NM_001035.3(RYR2):c.3215-4C>G

Gene: RYR2 (ryanodine receptor 2; plus strand). Cytogenetic location: 1q43.
Variant type: single nucleotide variant.
Coding change: c.3215-4C>G on transcript NM_001035.3 (MANE Select); 4 bases into the intron before coding-DNA position 3215, C replaced by G.
Molecular consequence: intron variant.
Genome position (GRCh38, 1-based): chr1:237,566,563, C>G. VCF-style: chr1-237566563-C-G. GRCh37 (hg19) VCF-style: chr1-237729863-C-G.
Identifiers: ClinVar variation 2774279 (VCV002774279.2), dbSNP rs2546423602, ClinGen allele CA2697547730.

ClinVar aggregate classification (germline): Uncertain significance (1 of 4 stars; one submission).

Conditions:
Cardiomyopathy (CMYO). Also called: Cardiomyopathies. Identifiers: Orphanet 167848, MedGen C0878544, MONDO:0004994, HP:0001638. Inheritance: Various modes of inheritance.

Submission:

Color Diagnostics, LLC DBA Color Health
Classification: Uncertain significance for Cardiomyopathy. Last evaluated: 2021-09-20. Review status: criteria provided, single submitter. Criteria: ACMG Guidelines, 2015. Collection method: clinical testing. Allele origin: germline.
Comment: This variant causes a C to G nucleotide substitution at the -4 position of intron 27 of the RYR2 gene. Splice prediction tools and conservation analysis are inconclusive regarding the impact of this variant on RNA splicing. To our knowledge, functional studies have not been reported for this variant. This variant has not been reported in individuals affected with cardiovascular disorders in the literature. This variant has not been identified in the general population by the Genome Aggregation Database (gnomAD). The available evidence is insufficient to determine the role of this variant in disease conclusively. Therefore, this variant is classified as a Variant of Uncertain Significance.